The following is an entry in ClinVar:

ClinVar aggregate classification (germline): Uncertain significance. Review status: criteria provided, multiple submitters, no conflicts (2 of 4 stars). 2 submissions from 2 submitters: Uncertain significance (2). Last evaluated 2025-05-27.

Conditions:
Oligodontia-cancer predisposition syndrome. Also called: TOOTH AGENESIS-COLORECTAL CANCER SYNDROME. Identifiers: Orphanet 300576, MedGen C1837750, MONDO:0012075, OMIM 608615. Disease mechanism: loss of function.
Hereditary cancer-predisposing syndrome. Also called: Tumor predisposition; Hereditary neoplastic syndrome; Neoplastic Syndromes, Hereditary; Hereditary Cancer Syndrome. Identifiers: Orphanet 140162, MedGen C0027672, MeSH D009386, MONDO:0015356.

Submissions (2):

Ambry Genetics
Classification: Uncertain significance for Hereditary cancer-predisposing syndrome. Last evaluated: 2025-05-27. Review status: criteria provided, single submitter. Criteria: Ambry Variant Classification Scheme 2023. Collection method: clinical testing. Allele origin: germline.
Comment: The p.H677Q variant (also known as c.2031C>G), located in coding exon 7 of the AXIN2 gene, results from a C to G substitution at nucleotide position 2031. The histidine at codon 677 is replaced by glutamine, an amino acid with highly similar properties. This amino acid position is conserved. In addition, the in silico prediction for this alteration is inconclusive. Based on the available evidence, the clinical significance of this variant remains unclear.

Labcorp Genetics (formerly Invitae), Labcorp
Classification: Uncertain significance for Oligodontia-cancer predisposition syndrome. Last evaluated: 2022-03-21. Review status: criteria provided, single submitter. Criteria: Invitae Variant Classification Sherloc (09022015). Collection method: clinical testing. Allele origin: germline.
Comment: In summary, the available evidence is currently insufficient to determine the role of this variant in disease. Therefore, it has been classified as a Variant of Uncertain Significance. Algorithms developed to predict the effect of missense changes on protein structure and function (SIFT, PolyPhen-2, Align-GVGD) all suggest that this variant is likely to be tolerated. This variant has not been reported in the literature in individuals affected with AXIN2-related conditions. This variant is not present in population databases (gnomAD no frequency). This sequence change replaces histidine, which is basic and polar, with glutamine, which is neutral and polar, at codon 677 of the AXIN2 protein (p.His677Gln).

NM_004655.4(AXIN2):c.2031C>G (p.His677Gln)

Gene: AXIN2 (axin 2; minus strand). Cytogenetic location: 17q24.1.
Variant type: single nucleotide variant.
Coding change: c.2031C>G on transcript NM_004655.4 (MANE Select); coding-DNA position 2031, C replaced by G.
Protein change: p.His677Gln; replaces histidine 677 with glutamine.
Molecular consequence: missense variant.
Genome position (GRCh38, 1-based): chr17:65,536,430, G>C on the plus strand (C>G on the coding strand, the complement: AXIN2 is on the minus strand). VCF-style: chr17-65536430-G-C. GRCh37 (hg19) VCF-style: chr17-63532548-G-C.
Other names: c.1836C>G, p.His612Gln (NM_001363813.1); short protein forms H612Q, H677Q.
Identifiers: ClinVar variation 2199735 (VCV002199735.5), dbSNP rs1555577104, ClinGen allele CA400676126.